The following is an entry in ClinVar:

ClinVar aggregate classification (germline): Uncertain significance. Review status: criteria provided, multiple submitters, no conflicts (2 of 4 stars). 4 submissions from 4 submitters: Uncertain significance (4). Last evaluated 2025-10-25.

Conditions:
Hereditary cancer-predisposing syndrome. Also called: Neoplastic Syndromes, Hereditary; Tumor predisposition; Hereditary neoplastic syndrome; Hereditary Cancer Syndrome. Identifiers: Orphanet 140162, MedGen C0027672, MeSH D009386, MONDO:0015356.
Endometrial carcinoma. Also called: Endometrial carcinoma, somatic. Identifiers: MedGen C0476089, MONDO:0002447, OMIM 608089, HP:0012114.
Familial adenomatous polyposis 4 (FAP4). Also called: MSH3-related attenuated familial adenomatous polyposis. Identifiers: Orphanet 480536, MedGen C4310719, MONDO:0044300, OMIM 617100.

Allele frequency attached by ClinVar (database versions not stated): gnomAD 0.00001 and 0.00002; TOPMed 0.00002; gnomAD exomes 0.00003; ExAC 0.00004.
gnomAD v4.1: 18 of 1,614,040 alleles (0.0011%); highest among the groups gnomAD compares: Middle Eastern, 0.033%; no homozygotes.

Submissions (4):

Labcorp Genetics (formerly Invitae), Labcorp
Classification: Uncertain significance. Last evaluated: 2025-10-25. Review status: criteria provided, single submitter. Criteria: Invitae Variant Classification Sherloc (09022015). Collection method: clinical testing. Allele origin: germline.
Comment: This sequence change replaces proline, which is neutral and non-polar, with threonine, which is neutral and polar, at codon 90 of the MSH3 protein (p.Pro90Thr). This variant is present in population databases (rs772032731, gnomAD 0.03%). This variant has not been reported in the literature in individuals affected with MSH3-related conditions. ClinVar contains an entry for this variant (Variation ID: 642785). An algorithm developed to predict the effect of missense changes on protein structure and function outputs the following: PolyPhen-2: "Benign". The threonine amino acid residue is found in multiple mammalian species, which suggests that this missense change does not adversely affect protein function. In summary, the available evidence is currently insufficient to determine the role of this variant in disease. Therefore, it has been classified as a Variant of Uncertain Significance.

Ambry Genetics
Classification: Uncertain significance for Hereditary cancer-predisposing syndrome. Last evaluated: 2025-02-12. Review status: criteria provided, single submitter. Criteria: Ambry Variant Classification Scheme 2023. Collection method: clinical testing. Allele origin: germline.
Comment: The p.P90T variant (also known as c.268C>A), located in coding exon 2 of the MSH3 gene, results from a C to A substitution at nucleotide position 268. The proline at codon 90 is replaced by threonine, an amino acid with highly similar properties. This amino acid position is poorly conserved in available vertebrate species. In addition, this alteration is predicted to be tolerated by in silico analysis. Based on the available evidence, the clinical significance of this variant remains unclear.

Fulgent Genetics
Classification: Uncertain significance for Endometrial carcinoma; Familial adenomatous polyposis 4. Last evaluated: 2024-03-18. Review status: criteria provided, single submitter. Criteria: ACMG Guidelines, 2015. Collection method: clinical testing. Allele origin: germline.

Breakthrough Genomics
Classification: Uncertain significance. Review status: criteria provided, single submitter. Criteria: ACMG Guidelines, 2015. Collection method: not provided. Allele origin: germline. Inheritance: Autosomal recessive inheritance. Affected: yes.

NM_002439.5(MSH3):c.268C>A (p.Pro90Thr)

Gene: MSH3 (mutS homolog 3; plus strand). Cytogenetic location: 5q14.1.
Variant type: single nucleotide variant.
Coding change: c.268C>A on transcript NM_002439.5 (MANE Select); coding-DNA position 268, C replaced by A.
Protein change: p.Pro90Thr; replaces proline 90 with threonine.
Molecular consequence: missense variant.
Genome position (GRCh38, 1-based): chr5:80,656,441, C>A. VCF-style: chr5-80656441-C-A. GRCh37 (hg19) VCF-style: chr5-79952260-C-A.
Other names: short protein forms P90T.
Identifiers: ClinVar variation 642785 (VCV000642785.13), dbSNP rs772032731, ClinGen allele CA3327555.